The following is an entry in ClinVar:

NM_015122.3(FCHO1):c.130G>A (p.Glu44Lys)

Gene: FCHO1 (FCH and mu domain containing endocytic adaptor 1; plus strand). Cytogenetic location: 19p13.11.
Variant type: single nucleotide variant.
Coding change: c.130G>A on transcript NM_015122.3 (MANE Select); coding-DNA position 130, G replaced by A.
Protein change: p.Glu44Lys; replaces glutamic acid 44 with lysine.
Molecular consequence: missense variant. On other transcripts: 5 prime UTR variant (6), non-coding transcript variant (36), intron variant (1).
Genome position (GRCh38, 1-based): chr19:17,764,385, G>A. VCF-style: chr19-17764385-G-A. GRCh37 (hg19) VCF-style: chr19-17875194-G-A.
Other names: c.130G>A (NM_001161357.1); c.130G>A, p.Glu44Lys (NM_001161357.2, NM_001161358.2, NM_001384370.1 and 29 more transcripts); c.-21G>A (NM_001161359.2, NM_001384384.1, NM_001384385.1 and 3 more transcripts); c.119+1532G>A (NM_001384390.1); short protein forms E44K.
Identifiers: ClinVar variation 1473500 (VCV001473500.9), dbSNP rs1231657886, ClinGen allele CA404747924.
Genomic context (GRCh38, chr19:17,764,385, plus strand): 5'-ACCACTGCGCCCGGGCAGTTTCTCCATCTTTACCTCATTCTCCTCCCCAGGGCCACCATC[G>A]AGGAGACCTACTCGAAGGCGATGGCGAAACTCTCCAAGCTGGCCAGCAACGGGACCCCCA-3'
Protein context (NP_055937.1, residues 34-54): ADFIRERATI[Glu44Lys]ETYSKAMAKL

ClinVar aggregate classification (germline): Uncertain significance. Review status: criteria provided, multiple submitters, no conflicts (2 of 4 stars). 2 submissions from 2 submitters: Uncertain significance (2). Last evaluated 2025-02-19.

Allele frequency attached by ClinVar (database versions not stated): gnomAD 0.00001; TOPMed 0.00001.

Submissions (2):

Ambry Genetics
Classification: Uncertain significance. Last evaluated: 2025-02-19. Review status: criteria provided, single submitter. Criteria: Ambry Variant Classification Scheme 2023. Collection method: clinical testing. Allele origin: germline.

Labcorp Genetics (formerly Invitae), Labcorp
Classification: Uncertain significance. Last evaluated: 2021-04-29. Review status: criteria provided, single submitter. Criteria: Invitae Variant Classification Sherloc (09022015). Collection method: clinical testing. Allele origin: germline.
Comment: This variant has not been reported in the literature in individuals with FCHO1-related conditions. In summary, the available evidence is currently insufficient to determine the role of this variant in disease. Therefore, it has been classified as a Variant of Uncertain Significance. Algorithms developed to predict the effect of missense changes on protein structure and function are either unavailable or do not agree on the potential impact of this missense change (SIFT: "Deleterious"; PolyPhen-2: "Possibly Damaging"; Align-GVGD: "Class C0"). This variant is not present in population databases (ExAC no frequency). This sequence change replaces glutamic acid with lysine at codon 44 of the FCHO1 protein (p.Glu44Lys). The glutamic acid residue is highly conserved and there is a small physicochemical difference between glutamic acid and lysine.